The following is an entry in ClinVar:

ClinVar aggregate classification (germline): Likely benign (1 of 4 stars; one submission).

gnomAD v4.1: 753 of 965,700 alleles (0.078%); highest among the groups gnomAD compares: South Asian, 0.31%; 55 homozygotes.

Submission:

CeGaT Center for Human Genetics Tuebingen
Classification: Likely benign. Last evaluated: 2026-07-01. Review status: criteria provided, single submitter. Criteria: CeGaT Center For Human Genetics Tuebingen Variant Classification Criteria Version 2. Collection method: clinical testing. Allele origin: germline. Affected: yes. Observed: 2 variant alleles.
Comment: DRD4: BS2

NM_000797.4(DRD4):c.850A>C (p.Ser284Arg)

Gene: DRD4 (dopamine receptor D4; plus strand). Cytogenetic location: 11p15.5.
Variant type: single nucleotide variant.
Coding change: c.850A>C on transcript NM_000797.4 (MANE Select); coding-DNA position 850, A replaced by C.
Protein change: p.Ser284Arg; replaces serine 284 with arginine.
Molecular consequence: missense variant.
Genome position (GRCh38, 1-based): chr11:640,099, A>C. VCF-style: chr11-640099-A-C. GRCh37 (hg19) VCF-style: chr11-640099-A-C.
Other names: short protein forms S284R.
Identifiers: ClinVar variation 4681296 (VCV004681296.5).